The following is an entry in ClinVar:

NM_024596.5(MCPH1):c.911G>T (p.Arg304Ile)

Gene: MCPH1 (microcephalin 1; plus strand). Cytogenetic location: 8p23.1.
Variant type: single nucleotide variant.
Coding change: c.911G>T on transcript NM_024596.5 (MANE Select); coding-DNA position 911, G replaced by T.
Protein change: p.Arg304Ile; replaces arginine 304 with isoleucine.
Molecular consequence: missense variant. On other transcripts: non-coding transcript variant (1).
Genome position (GRCh38, 1-based): chr8:6,444,633, G>T. VCF-style: chr8-6444633-G-T. GRCh37 (hg19) VCF-style: chr8-6302154-G-T.
Other names: c.911G>T, p.Arg304Ile (NM_001172574.2, NM_001322042.2, NM_001363979.1 and 1 more transcripts); c.767G>T, p.Arg256Ile (NM_001172575.2); c.905G>T, p.Arg302Ile (NM_001322043.2); c.809G>T, p.Arg270Ile (NM_001322045.2); short protein forms R304I, R256I, R270I, R302I.
Identifiers: ClinVar variation 158879 (VCV000158879.23), dbSNP rs2083914, ClinGen allele CA172548.

ClinVar aggregate classification (germline): Benign. Review status: criteria provided, multiple submitters, no conflicts (2 of 4 stars). 10 submissions from 10 submitters: Benign (8). 2 of the submissions do not count toward it. Last evaluated 2026-02-04.

Conditions:
Microcephaly 1, primary, autosomal recessive (MCPH1). Also called: PREMATURE CHROMOSOME CONDENSATION SYNDROME; PCC SYNDROME; PREMATURE CHROMOSOME CONDENSATION WITH MICROCEPHALY AND MENTAL RETARDATION. Identifiers: Orphanet 2512, MedGen C1855081, MONDO:0009617, OMIM 251200.

Allele frequency attached by ClinVar (database versions not stated): ExAC 0.11533; ESP Exome Variant Server 0.11818; 1000 Genomes Project 0.07029; TOPMed 0.10602; gnomAD 0.10648 and 0.10697.
gnomAD v4.1: 218,675 of 1,613,798 alleles (14%); highest among the groups gnomAD compares: Middle Eastern, 24%; 16,233 homozygotes.

Submissions (10):

Labcorp Genetics (formerly Invitae), Labcorp
Classification: Benign. Last evaluated: 2026-02-04. Review status: criteria provided, single submitter. Criteria: Invitae Variant Classification Sherloc (09022015). Collection method: clinical testing. Allele origin: germline.

Blueprint Genetics
Classification: Benign. Last evaluated: 2024-11-27. Review status: criteria provided, single submitter. Criteria: ACMG Guidelines, 2015. Collection method: clinical testing. Allele origin: germline.

Illumina Laboratory Services, Illumina
Classification: Benign for Microcephaly 1, primary, autosomal recessive. Last evaluated: 2018-01-13. Review status: criteria provided, single submitter. Criteria: ICSL Variant Classification Criteria 13 December 2019. Collection method: clinical testing. Allele origin: germline.
Comment: This variant was observed in the ICSL laboratory as part of a predisposition screen in an ostensibly healthy population. It had not been previously curated by ICSL or reported in the Human Gene Mutation Database (HGMD: prior to June 1st, 2018), and was therefore a candidate for classification through an automated scoring system. Utilizing variant allele frequency, disease prevalence and penetrance estimates, and inheritance mode, an automated score was calculated to assess if this variant is too frequent to cause the disease. Based on the score and internal cut-off values, a variant classified as benign is not then subjected to further curation. The score for this variant resulted in a classification of benign for this disease.

Athena Diagnostics
Classification: Benign. Last evaluated: 2017-08-02. Review status: criteria provided, single submitter. Criteria: Athena Diagnostics Criteria. Collection method: clinical testing. Allele origin: germline.

Clinical Genetics DNA and cytogenetics Diagnostics Lab, Erasmus MC, Erasmus Medical Center
Classification: Benign for Microcephaly 1, primary, autosomal recessive. Last evaluated: 2017-06-28. Review status: criteria provided, single submitter. Criteria: ACGS Guidelines, 2013. Collection method: clinical testing. Allele origin: germline. Affected: yes. Study: VKGL Data-share Consensus.

GeneDx
Classification: Benign. Last evaluated: 2015-03-03. Review status: criteria provided, single submitter. Criteria: GeneDx Variant Classification Process June 2021. Collection method: clinical testing. Allele origin: germline. Affected: yes.

Genetic Services Laboratory, University of Chicago
Classification: Benign. Last evaluated: 2013-02-08. Review status: criteria provided, single submitter. Criteria: ACMG Guidelines, 2007. Collection method: clinical testing. Allele origin: germline. Inheritance: Autosomal recessive inheritance.

Breakthrough Genomics
Classification: Benign. Review status: criteria provided, single submitter. Criteria: ACMG Guidelines, 2015. Collection method: not provided. Allele origin: germline. Inheritance: Autosomal recessive inheritance. Affected: yes.

Diagnostic Laboratory, Department of Genetics, University Medical Center Groningen
Classification: Benign for Microcephaly 1, primary, autosomal recessive. Review status: no assertion criteria provided. Collection method: clinical testing. Allele origin: germline. Affected: yes. Study: VKGL Data-share Consensus. Not counted in ClinVar's aggregate classification.

Joint Genome Diagnostic Labs from Nijmegen and Maastricht, Radboudumc and MUMC+
Classification: Benign. Review status: no assertion criteria provided. Collection method: clinical testing. Allele origin: germline. Affected: yes. Study: VKGL Data-share Consensus. Not counted in ClinVar's aggregate classification.